The following is an entry in ClinVar:

NM_004329.3(BMPR1A):c.667C>A (p.Pro223Thr)

Gene: BMPR1A (bone morphogenetic protein receptor type 1A; plus strand). Cytogenetic location: 10q23.2.
Variant type: single nucleotide variant.
Coding change: c.667C>A on transcript NM_004329.3 (MANE Select); coding-DNA position 667, C replaced by A.
Protein change: p.Pro223Thr; replaces proline 223 with threonine.
Molecular consequence: missense variant.
Genome position (GRCh38, 1-based): chr10:86,912,376, C>A. VCF-style: chr10-86912376-C-A. GRCh37 (hg19) VCF-style: chr10-88672133-C-A.
Other names: short protein forms P223T.
Identifiers: ClinVar variation 1047101 (VCV001047101.11), dbSNP rs1843504441, ClinGen allele CA377455185.

ClinVar aggregate classification (germline): Uncertain significance (1 of 4 stars; one submission).

Conditions:
Juvenile polyposis syndrome (JPS). Identifiers: Orphanet 2929, MedGen C0345893, MONDO:0017380, OMIM 174900.

Submission:

Labcorp Genetics (formerly Invitae), Labcorp
Classification: Uncertain significance for Juvenile polyposis syndrome. Last evaluated: 2022-06-29. Review status: criteria provided, single submitter. Criteria: Invitae Variant Classification Sherloc (09022015). Collection method: clinical testing. Allele origin: germline.
Comment: This sequence change replaces proline, which is neutral and non-polar, with threonine, which is neutral and polar, at codon 223 of the BMPR1A protein (p.Pro223Thr). This variant is not present in population databases (gnomAD no frequency). This variant has not been reported in the literature in individuals affected with BMPR1A-related conditions. ClinVar contains an entry for this variant (Variation ID: 1047101). Advanced modeling of protein sequence and biophysical properties (such as structural, functional, and spatial information, amino acid conservation, physicochemical variation, residue mobility, and thermodynamic stability) performed at Invitae indicates that this missense variant is expected to disrupt BMPR1A protein function. In summary, the available evidence is currently insufficient to determine the role of this variant in disease. Therefore, it has been classified as a Variant of Uncertain Significance.